The following is an entry in ClinVar:

NM_000501.4(ELN):c.1358-171G>A

Gene: ELN (elastin; plus strand). Cytogenetic location: 7q11.23.
Variant type: single nucleotide variant.
Coding change: c.1358-171G>A on transcript NM_000501.4 (MANE Select); 171 bases into the intron before coding-DNA position 1358, G replaced by A.
Molecular consequence: intron variant. On other transcripts: splice donor variant (1).
Genome position (GRCh38, 1-based): chr7:74,057,469, G>A. VCF-style: chr7-74057469-G-A. GRCh37 (hg19) VCF-style: chr7-73471799-G-A.
Other names: c.1373-171G>A (NM_001081754.3); c.1372+756G>A (NM_001081753.3); c.1444+1G>A (NM_001278939.2); c.1358-171G>A (NM_001278915.2, NM_001278912.2); c.1357+756G>A (NM_001081755.3); c.1315+756G>A (NM_001278916.2); c.1171+756G>A (NM_001278913.2); c.1342+756G>A (NM_001278914.2); and 3 more.
Identifiers: ClinVar variation 5002983 (VCV005002983.1).

ClinVar aggregate classification (germline): Uncertain significance (1 of 4 stars; one submission).

Conditions:
Supravalvar aortic stenosis (SVAS). Also called: Supravalvar aortic stenosis, Eisenberg type. Identifiers: Orphanet 3193, MedGen C0003499, MONDO:0008504, OMIM 185500, HP:0004381.

gnomAD v4.1: 6 of 1,558,632 alleles (0.00038%); highest among the groups gnomAD compares: East Asian, 0.009%; no homozygotes.

Submission:

OLLIN Analises Genomicas, OLLIN
Classification: Uncertain significance for Supravalvar aortic stenosis. Last evaluated: 2026-08-06. Review status: criteria provided, single submitter. Criteria: ACMG Guidelines 2015 PMID 25741868. Collection method: clinical testing. Allele origin: germline.
Comment: This variant, has been observed in gnomAD with an allele frequency of 0.00038%, but has not been reported in ClinVar or identified in the literature. According to the currently available evidence, this variant has been classified as uncertain significance (BP4, BP7).